The following is an entry in ClinVar:

ClinVar aggregate classification (germline): Likely benign (1 of 4 stars; one submission).

Allele frequency attached by ClinVar (database versions not stated): 1000 Genomes Project 30x 0.00094; 1000 Genomes Project 0.00120; gnomAD 0.00271; ExAC 0.00273; ESP Exome Variant Server 0.00377; gnomAD exomes 0.00391.
gnomAD v4.1: 6,189 of 1,614,206 alleles (0.38%); highest among the groups gnomAD compares: Middle Eastern, 0.79%; 8 homozygotes.

Submission:

CeGaT Center for Human Genetics Tuebingen
Classification: Likely benign. Last evaluated: 2023-04-01. Review status: criteria provided, single submitter. Criteria: CeGaT Center For Human Genetics Tuebingen Variant Classification Criteria Version 2. Collection method: clinical testing. Allele origin: germline. Affected: yes. Observed: 2 variant alleles.
Comment: LILRB2: BP4, BP7

NM_001080978.4(LILRB2):c.543C>T (p.Phe181=)

Genes: LILRB2 (leukocyte immunoglobulin like receptor B2; minus strand), LOC126862931 (CDK7 strongly-dependent group 2 enhancer GRCh37_chr19:54782879-54784078; plus strand). Cytogenetic location: 19q13.42.
Variant type: single nucleotide variant.
Coding change: c.543C>T on transcript NM_001080978.4 (MANE Select); coding-DNA position 543, C replaced by T.
Protein change: p.Phe181=; no amino-acid change (phenylalanine 181 retained).
Molecular consequence: synonymous variant. On other transcripts: non-coding transcript variant (1).
Genome position (GRCh38, 1-based): chr19:54,279,460, G>A on the plus strand (C>T on the coding strand, the complement: LILRB2 is on the minus strand). VCF-style: chr19-54279460-G-A. GRCh37 (hg19) VCF-style: chr19-54783315-G-A.
Other names: c.543C>T, p.Phe181= (NM_001278403.3, NM_001278405.2, NM_001278406.2 and 1 more transcripts); c.195C>T, p.Phe65= (NM_001278404.3).
Identifiers: ClinVar variation 2650444 (VCV002650444.24), dbSNP rs143879306, ClinGen allele CA309451010.